The following is an entry in ClinVar:

NM_001199397.3(NEK1):c.2836A>G (p.Thr946Ala)

Gene: NEK1 (NIMA related kinase 1; minus strand). Cytogenetic location: 4q33.
Variant type: single nucleotide variant.
Coding change: c.2836A>G on transcript NM_001199397.3 (MANE Select); coding-DNA position 2836, A replaced by G.
Protein change: p.Thr946Ala; replaces threonine 946 with alanine.
Molecular consequence: missense variant. On other transcripts: non-coding transcript variant (1).
Genome position (GRCh38, 1-based): chr4:169,433,594, T>C on the plus strand (A>G on the coding strand, the complement: NEK1 is on the minus strand). VCF-style: chr4-169433594-T-C. GRCh37 (hg19) VCF-style: chr4-170354745-T-C.
Other names: c.2704A>G, p.Thr902Ala (NM_001199398.3); c.2545A>G, p.Thr849Ala (NM_001199399.3); c.2620A>G, p.Thr874Ala (NM_001199400.3); c.2836A>G, p.Thr946Ala (NM_001374418.1); c.2752A>G, p.Thr918Ala (NM_001374419.1, NM_012224.4); c.2701A>G, p.Thr901Ala (NM_001374420.1); c.2353A>G, p.Thr785Ala (NM_001374421.1); c.2659A>G, p.Thr887Ala (NM_001440620.1); and 5 more; short protein forms T667A, T711A, T785A, T815A, T843A, T849A, T859A, T874A.
Identifiers: ClinVar variation 4808529 (VCV004808529.1).

ClinVar aggregate classification (germline): Uncertain significance (1 of 4 stars; one submission).

Conditions:
Short-rib thoracic dysplasia 6 with or without polydactyly (SRTD6). Also called: SHORT RIB-POLYDACTYLY SYNDROME, TYPE IIA; SHORT-RIB THORACIC DYSPLASIA 6 WITHOUT POLYDACTYLY; POLYDACTYLY WITH NEONATAL CHONDRODYSTROPHY, TYPE II; Majewski Syndrome; SHORT-RIB THORACIC DYSPLASIA 6 WITH POLYDACTYLY. Identifiers: MedGen C0024507, MONDO:0009894, OMIM 263520.

gnomAD v4.1: 3 of 1,613,410 alleles (0.00019%); highest among the groups gnomAD compares: South Asian, 0.0011%; no homozygotes.

Submission:

Labcorp Genetics (formerly Invitae), Labcorp
Classification: Uncertain significance for Short-rib thoracic dysplasia 6 with or without polydactyly. Last evaluated: 2025-02-10. Review status: criteria provided, single submitter. Criteria: Invitae Variant Classification Sherloc (09022015). Collection method: clinical testing. Allele origin: germline.
Comment: This sequence change replaces threonine, which is neutral and polar, with alanine, which is neutral and non-polar, at codon 918 of the NEK1 protein (p.Thr918Ala). This variant is not present in population databases (gnomAD no frequency). This variant has not been reported in the literature in individuals affected with NEK1-related conditions. Invitae Evidence Modeling of protein sequence and biophysical properties (such as structural, functional, and spatial information, amino acid conservation, physicochemical variation, residue mobility, and thermodynamic stability) indicates that this missense variant is not expected to disrupt NEK1 protein function with a negative predictive value of 80%. In summary, the available evidence is currently insufficient to determine the role of this variant in disease. Therefore, it has been classified as a Variant of Uncertain Significance.